The following is an entry in ClinVar:

ClinVar aggregate classification (germline): Uncertain significance (1 of 4 stars; one submission).

Submission:

GeneDx
Classification: Uncertain significance. Last evaluated: 2025-06-03. Review status: criteria provided, single submitter. Criteria: GeneDx Variant Classification Process June 2021. Collection method: clinical testing. Allele origin: germline. Affected: yes.
Comment: In silico analysis indicates that this missense variant does not alter protein structure/function; Has not been previously published as pathogenic or benign to our knowledge; Reported using an alternate transcript of the gene

NM_001130987.2(DYSF):c.481G>A (p.Glu161Lys)

Gene: DYSF (dysferlin; plus strand). Cytogenetic location: 2p13.2.
Variant type: single nucleotide variant.
Coding change: c.481G>A on transcript NM_001130987.2 (MANE Select); coding-DNA position 481, G replaced by A.
Protein change: p.Glu161Lys; replaces glutamic acid 161 with lysine.
Molecular consequence: missense variant. On other transcripts: intron variant (8).
Genome position (GRCh38, 1-based): chr2:71,513,260, G>A. VCF-style: chr2-71513260-G-A. GRCh37 (hg19) VCF-style: chr2-71740390-G-A.
Other names: c.478G>A, p.Glu160Lys (NM_001130979.2, NM_001130980.2, NM_001130981.2); c.481G>A, p.Glu161Lys (NM_001130982.2, NM_001130985.2); c.458-456G>A (NM_001130978.2, NM_003494.4, NM_001130977.2 and 1 more transcripts); c.461-456G>A (NM_001130983.2, NM_001130455.2, NM_001130984.2 and 1 more transcripts); short protein forms E160K, E161K.
Identifiers: ClinVar variation 4536404 (VCV004536404.1).
Genomic context (GRCh38, chr2:71,513,260, plus strand): 5'-CTCCCTCCCCTCCCGGGGTTATGCCCTGCCCACAAGACAGGCGGGGGACAGAGCCGGGCC[G>A]AGACTTGGTCCCTGCTCAGTGACAGCACCATGGACACGAGATACTCTGGAAAGAAGTGGC-3'
Protein context (NP_001124459.1, residues 151-171): VVAGGGQSRA[Glu161Lys]TWSLLSDSTM